The following is an entry in ClinVar:

NM_000159.4(GCDH):c.1193A>G (p.Tyr398Cys)

Gene: GCDH (glutaryl-CoA dehydrogenase; plus strand). Cytogenetic location: 19p13.13.
Variant type: single nucleotide variant.
Coding change: c.1193A>G on transcript NM_000159.4 (MANE Select); coding-DNA position 1193, A replaced by G.
Protein change: p.Tyr398Cys; replaces tyrosine 398 with cysteine.
Molecular consequence: missense variant. On other transcripts: non-coding transcript variant (2).
Genome position (GRCh38, 1-based): chr19:12,897,813, A>G. VCF-style: chr19-12897813-A-G. GRCh37 (hg19) VCF-style: chr19-13008627-A-G.
Other names: c.1193A>G, p.Tyr398Cys (NM_013976.5); c.1193A>G (NM_000159.2); short protein forms Y398C.
Identifiers: ClinVar variation 2736823 (VCV002736823.6), dbSNP rs2512577655, ClinGen allele CA404321742.
Genomic context (GRCh38, chr19:12,897,813, plus strand): 5'-CCCTGGACATCGCCCGCCAGGCCCGAGACATGCTGGGGGGGAATGGGATTTCTGACGAGT[A>G]TCACGTGATCCGGCACGCCATGAACCTGGAGGCCGTGAACACCTACGAAGGTAGGAGCTG-3'
Protein context (NP_000150.1, residues 388-408): MLGGNGISDE[Tyr398Cys]HVIRHAMNLE

ClinVar aggregate classification (germline): Pathogenic/Likely pathogenic. Review status: criteria provided, multiple submitters, no conflicts (2 of 4 stars). 3 submissions from 3 submitters: Pathogenic (2); Likely pathogenic (1). Last evaluated 2024-12-27.

Conditions:
Glutaric aciduria, type 1. Also called: GA I; Glutaricaciduria, type I; Glutaric Acidemia Type 1; Glutaryl-CoA dehydrogenase deficiency; Glutaric acidemia type I; Glutaricacidemia Type 1. Identifiers: Orphanet 25, MedGen C0268595, MONDO:0009281, OMIM 231670.

Allele frequency attached by ClinVar (database versions not stated): gnomAD exomes below 0.00001.
gnomAD v4.1: 2 of 1,613,994 alleles (0.00012%); highest among the groups gnomAD compares: Non-Finnish European, 0.00017%; no homozygotes.

Submissions (3):

Women's Health and Genetics/Laboratory Corporation of America, LabCorp
Classification: Pathogenic for Glutaric aciduria, type 1. Last evaluated: 2024-12-27. Review status: criteria provided, single submitter. Criteria: LabCorp Variant Classification Summary - May 2015. Collection method: clinical testing. Allele origin: germline.
Comment: Variant summary: GCDH c.1193A>G (p.Tyr398Cys) results in a non-conservative amino acid change located in the Acyl-CoA dehydrogenase, C-terminal domain (IPR009075) of the encoded protein sequence. Five of five in-silico tools predict a damaging effect of the variant on protein function. The variant was absent in 251426 control chromosomes. c.1193A>G has been reported in the literature in homozygous and compound heterozygous individuals affected with Glutaric Acidemia Type 1 (e.g. Boy_2018, Couce_2013, Labcorp (formerly Invitae)). These data indicate that the variant is likely to be associated with disease. At least one publication reports experimental evidence evaluating an impact on protein function. The most pronounced variant effect results in <10% of normal enzyme activity in vitro (e.g. Yuan_2023). The following publications have been ascertained in the context of this evaluation (PMID: 29665094, 23395213, 37078465). ClinVar contains an entry for this variant (Variation ID: 2736823). Based on the evidence outlined above, the variant was classified as pathogenic.

GeneDx
Classification: Likely pathogenic. Last evaluated: 2024-09-16. Review status: criteria provided, single submitter. Criteria: GeneDx Variant Classification Process June 2021. Collection method: clinical testing. Allele origin: germline. Affected: yes.
Comment: In silico analysis supports that this missense variant has a deleterious effect on protein structure/function; Not observed at significant frequency in large population cohorts (gnomAD); This variant is associated with the following publications: (PMID: 23395213, 37020324)

Labcorp Genetics (formerly Invitae), Labcorp
Classification: Pathogenic for Glutaric aciduria, type 1. Last evaluated: 2023-12-15. Review status: criteria provided, single submitter. Criteria: Invitae Variant Classification Sherloc (09022015). Collection method: clinical testing. Allele origin: germline.
Comment: This sequence change replaces tyrosine, which is neutral and polar, with cysteine, which is neutral and slightly polar, at codon 398 of the GCDH protein (p.Tyr398Cys). This variant is not present in population databases (gnomAD no frequency). This missense change has been observed in individual(s) with glutaric acidemia (PMID: 23395213; Invitae). Advanced modeling of protein sequence and biophysical properties (such as structural, functional, and spatial information, amino acid conservation, physicochemical variation, residue mobility, and thermodynamic stability) performed at Invitae indicates that this missense variant is expected to disrupt GCDH protein function with a positive predictive value of 80%. For these reasons, this variant has been classified as Pathogenic.

Literature cited by the submitters: PubMed 29665094 (cited by Women's Health and Genetics/Laboratory Corporation of America, LabCorp); PubMed 23395213 (cited by Women's Health and Genetics/Laboratory Corporation of America, LabCorp and Labcorp Genetics (formerly Invitae), Labcorp); PubMed 37078465 (cited by Women's Health and Genetics/Laboratory Corporation of America, LabCorp).